The following is an entry in ClinVar:

NM_006642.5(SDCCAG8):c.696del (p.Thr231_Tyr232insTer)

Gene: SDCCAG8 (SHH signaling and ciliogenesis regulator SDCCAG8; plus strand). Cytogenetic location: 1q43.
Variant type: Deletion.
Coding change: c.696del on transcript NM_006642.5 (MANE Select); coding-DNA position 696, one base deleted (T; older notation c.696delT).
Protein change: p.Thr231_Tyr232insTer.
Molecular consequence: nonsense. On other transcripts: 5 prime UTR variant (3).
Genome position (GRCh38, 1-based): chr1:243,304,733, T deleted. VCF-style (leftmost placement, unchanged base first): chr1-243304732-AT-A. GRCh37 (hg19) VCF-style: chr1-243468034-AT-A.
Other names: c.696del (NM_006642.3); c.-417del (NM_001350246.2); c.-305del (NM_001350247.2); c.792del, p.Thr263_Tyr264insTer (NM_001350248.2); c.402del, p.Thr133_Tyr134insTer (NM_001350249.2); c.-582del (NM_001350251.2).
Identifiers: ClinVar variation 654015 (VCV000654015.10), dbSNP rs1558264626, ClinGen allele CA529972456.

ClinVar aggregate classification (germline): Pathogenic (1 of 4 stars; one submission).

Conditions:
Senior-Loken syndrome 7 (SLSN7). Identifiers: Orphanet 3156, MedGen C3150877, MONDO:0013326, OMIM 613615.
Bardet-Biedl syndrome 16 (BBS16). Identifiers: Orphanet 110, MedGen C3889474, MONDO:0014444, OMIM 615993.

Allele frequency attached by ClinVar (database versions not stated): gnomAD exomes below 0.00001 and 0.00001.

Submission:

Labcorp Genetics (formerly Invitae), Labcorp
Classification: Pathogenic for Bardet-Biedl syndrome 16; Senior-Loken syndrome 7. Last evaluated: 2021-12-25. Review status: criteria provided, single submitter. Criteria: Invitae Variant Classification Sherloc (09022015). Collection method: clinical testing. Allele origin: germline.
Comment: This variant is present in population databases (no rsID available, gnomAD 0.004%). For these reasons, this variant has been classified as Pathogenic. ClinVar contains an entry for this variant (Variation ID: 654015). This premature translational stop signal has been observed in individual(s) with clinical features of Senior-Loken syndrome (PMID: 20835237, 21866095). This sequence change creates a premature translational stop signal (p.Tyr232*) in the SDCCAG8 gene. It is expected to result in an absent or disrupted protein product. Loss-of-function variants in SDCCAG8 are known to be pathogenic (PMID: 20835237, 22190896).

Literature cited by the submitters: PubMed 20835237; PubMed 21866095; PubMed 22190896.